The following is an entry in ClinVar:

NM_018127.7(ELAC2):c.1908+3A>G

Gene: ELAC2 (elaC ribonuclease Z 2; minus strand). Cytogenetic location: 17p12.
Variant type: single nucleotide variant.
Coding change: c.1908+3A>G on transcript NM_018127.7 (MANE Select); 3 bases into the intron after coding-DNA position 1908, A replaced by G.
Molecular consequence: intron variant.
Genome position (GRCh38, 1-based): chr17:12,994,960, T>C on the plus strand (A>G on the coding strand, the complement: ELAC2 is on the minus strand). VCF-style: chr17-12994960-T-C. GRCh37 (hg19) VCF-style: chr17-12898277-T-C.
Other names: c.1788+3A>G (NM_001165962.2); c.1905+3A>G (NM_173717.2).
Identifiers: ClinVar variation 1477903 (VCV001477903.6), dbSNP rs1164400207, ClinGen allele CA624927587.

ClinVar aggregate classification (germline): Uncertain significance (1 of 4 stars; one submission).

Conditions:
Combined oxidative phosphorylation defect type 17. Also called: Combined oxidative phosphorylation deficiency 17. Identifiers: Orphanet 369913, MedGen C3809526, MONDO:0014190, OMIM 615440.

Allele frequency attached by ClinVar (database versions not stated): gnomAD exomes below 0.00001.
gnomAD v4.1: 1 of 1,614,150 alleles (0.000062%); highest among the groups gnomAD compares: Non-Finnish European, 0.000085%; no homozygotes.

Submission:

Labcorp Genetics (formerly Invitae), Labcorp
Classification: Uncertain significance for Combined oxidative phosphorylation defect type 17. Last evaluated: 2024-10-15. Review status: criteria provided, single submitter. Criteria: Invitae Variant Classification Sherloc (09022015). Collection method: clinical testing. Allele origin: germline.
Comment: This sequence change falls in intron 20 of the ELAC2 gene. It does not directly change the encoded amino acid sequence of the ELAC2 protein. It affects a nucleotide within the consensus splice site. This variant is present in population databases (no rsID available, gnomAD 0.0009%). This variant has not been reported in the literature in individuals affected with ELAC2-related conditions. ClinVar contains an entry for this variant (Variation ID: 1477903). Variants that disrupt the consensus splice site are a relatively common cause of aberrant splicing (PMID: 17576681, 9536098). Algorithms developed to predict the effect of sequence changes on RNA splicing suggest that this variant is not likely to affect RNA splicing. In summary, the available evidence is currently insufficient to determine the role of this variant in disease. Therefore, it has been classified as a Variant of Uncertain Significance.

Literature cited by the submitters: PubMed 17576681; PubMed 9536098.